The following is an entry in ClinVar:

ClinVar aggregate classification (germline): Pathogenic (1 of 4 stars; one submission).

Submission:

Labcorp Genetics (formerly Invitae), Labcorp
Classification: Pathogenic. Last evaluated: 2025-11-13. Review status: criteria provided, single submitter. Criteria: Invitae Variant Classification Sherloc (09022015). Collection method: clinical testing. Allele origin: germline.
Comment: This sequence change creates a premature translational stop signal (p.Phe187Leufs*12) in the COL2A1 gene. It is expected to result in an absent or disrupted protein product. Loss-of-function variants in COL2A1 are known to be pathogenic (PMID: 20179744). This variant is not present in population databases (gnomAD no frequency). This variant has not been reported in the literature in individuals affected with COL2A1-related conditions. For these reasons, this variant has been classified as Pathogenic.

Literature cited by the submitters: PubMed 20179744.

NM_001844.5(COL2A1):c.561del (p.Phe187fs)

Gene: COL2A1 (collagen type II alpha 1 chain; minus strand). Cytogenetic location: 12q13.11.
Variant type: Deletion.
Coding change: c.561del on transcript NM_001844.5 (MANE Select); coding-DNA position 561, one base deleted (T; older notation c.561delT).
Protein change: p.Phe187fs; shifts the reading frame from phenylalanine 187.
Molecular consequence: frameshift variant.
Genome position (GRCh38, 1-based): chr12:47,996,596, A deleted on the plus strand (T on the coding strand, the reverse complement: COL2A1 is on the minus strand); the first of 3 consecutive A bases (chr12:47,996,596-47,996,598); deleting any one gives the same sequence. VCF-style (leftmost placement, unchanged base first): chr12-47996595-CA-C. GRCh37 (hg19) VCF-style: chr12-48390378-CA-C.
Other names: c.354del, p.Phe118fs (NM_033150.3); short protein forms F187fs, F118fs.
Identifiers: ClinVar variation 4731199 (VCV004731199.1).